The following is an entry in ClinVar:

NM_001042517.2(DIAPH3):c.3066G>A (p.Glu1022=)

Gene: DIAPH3 (diaphanous related formin 3; minus strand). Cytogenetic location: 13q21.2.
Variant type: single nucleotide variant.
Coding change: c.3066G>A on transcript NM_001042517.2 (MANE Select); coding-DNA position 3066, G replaced by A.
Protein change: p.Glu1022=; no amino-acid change (glutamic acid 1022 retained).
Molecular consequence: synonymous variant.
Genome position (GRCh38, 1-based): chr13:59,810,885, C>T on the plus strand (G>A on the coding strand, the complement: DIAPH3 is on the minus strand). VCF-style: chr13-59810885-C-T. GRCh37 (hg19) VCF-style: chr13-60385019-C-T.
Other names: c.3033G>A, p.Glu1011= (NM_001258366.2); c.2928G>A, p.Glu976= (NM_001258367.2); c.2856G>A, p.Glu952= (NM_001258368.2); c.3066G>A, p.Glu1022= (NM_001258369.2); c.2277G>A, p.Glu759= (NM_030932.4).
Identifiers: ClinVar variation 4981143 (VCV004981143.1).
Genomic context (GRCh38, chr13:59,810,885, plus strand): 5'-GCGTTCGAGTCTTTCTCGCTCTGCTAATTCTTTAGCTATTCTGACACGTTTTTCTTTTTC[C>T]TCTGCTTCTCTTTTTTTGATATTCTCCTTTATTGCTTGCTAAAAAAATTTTGAAAAATGA-3'
Protein context (NP_001035982.1, residues 1012-1032): IKENIKKREA[Glu1022=]EKEKRVRIAK

ClinVar aggregate classification (germline): Likely benign (1 of 4 stars; one submission).

Conditions:
DIAPH3-related disorder. Also called: DIAPH3-related condition.

gnomAD v4.1: 37 of 1,609,426 alleles (0.0023%); highest among the groups gnomAD compares: Middle Eastern, 0.3%; no homozygotes.

Submission:

PreventionGenetics, part of Exact Sciences
Classification: Likely benign for DIAPH3-related condition. Last evaluated: 2025-11-26. Review status: criteria provided, single submitter. Criteria: ACMG Guidelines, 2015. Collection method: clinical testing. Allele origin: germline.
Comment: This variant is classified as likely benign based on ACMG/AMP sequence variant interpretation guidelines (Richards et al. 2015 PMID: 25741868, with internal and published modifications).